The following is an entry in ClinVar:

NM_001042492.3(NF1):c.5291T>C (p.Val1764Ala)

Gene: NF1 (neurofibromin 1; plus strand). Cytogenetic location: 17q11.2.
Variant type: single nucleotide variant.
Coding change: c.5291T>C on transcript NM_001042492.3 (MANE Select); coding-DNA position 5291, T replaced by C.
Protein change: p.Val1764Ala; replaces valine 1764 with alanine.
Molecular consequence: missense variant.
Genome position (GRCh38, 1-based): chr17:31,327,521, T>C. VCF-style: chr17-31327521-T-C. GRCh37 (hg19) VCF-style: chr17-29654539-T-C.
Other names: c.5228T>C, p.Val1743Ala (NM_000267.4); short protein forms V1743A, V1764A.
Identifiers: ClinVar variation 4119041 (VCV004119041.1).

ClinVar aggregate classification (germline): Uncertain significance (1 of 4 stars; one submission).

Conditions:
Cardiovascular phenotype. Identifiers: MedGen CN230736.
Hereditary cancer-predisposing syndrome. Also called: Hereditary neoplastic syndrome; Neoplastic Syndromes, Hereditary; Tumor predisposition; Hereditary Cancer Syndrome. Identifiers: Orphanet 140162, MedGen C0027672, MeSH D009386, MONDO:0015356.

Submission:

Ambry Genetics
Classification: Uncertain significance for Cardiovascular phenotype; Hereditary cancer-predisposing syndrome. Last evaluated: 2025-08-20. Review status: criteria provided, single submitter. Criteria: Ambry Variant Classification Scheme 2023. Collection method: clinical testing. Allele origin: germline.
Comment: The p.V1743A variant (also known as c.5228T>C), located in coding exon 37 of the NF1 gene, results from a T to C substitution at nucleotide position 5228. The valine at codon 1743 is replaced by alanine, an amino acid with similar properties. This amino acid position is conserved. In addition, this alteration is predicted to be deleterious by in silico analysis. Based on the available evidence, the clinical significance of this variant remains unclear.